The following is an entry in ClinVar:

ClinVar aggregate classification (germline): Uncertain significance (1 of 4 stars; one submission).

Submission:

Labcorp Genetics (formerly Invitae), Labcorp
Classification: Uncertain significance. Last evaluated: 2023-08-08. Review status: criteria provided, single submitter. Criteria: Invitae Variant Classification Sherloc (09022015). Collection method: clinical testing. Allele origin: germline.
Comment: In summary, the available evidence is currently insufficient to determine the role of this variant in disease. Therefore, it has been classified as a Variant of Uncertain Significance. Variants that disrupt the consensus splice site are a relatively common cause of aberrant splicing (PMID: 17576681, 9536098). Algorithms developed to predict the effect of sequence changes on RNA splicing suggest that this variant is not likely to affect RNA splicing. This variant has not been reported in the literature in individuals affected with P4HB-related conditions. This variant is present in population databases (no rsID available, gnomAD 0.007%). This sequence change falls in intron 5 of the P4HB gene. It does not directly change the encoded amino acid sequence of the P4HB protein. It affects a nucleotide within the consensus splice site.

Literature cited by the submitters: PubMed 17576681; PubMed 9536098.

NM_000918.4(P4HB):c.729+4C>A

Gene: P4HB (prolyl 4-hydroxylase subunit beta; minus strand). Cytogenetic location: 17q25.3.
Variant type: single nucleotide variant.
Coding change: c.729+4C>A on transcript NM_000918.4 (MANE Select); 4 bases into the intron after coding-DNA position 729, C replaced by A.
Molecular consequence: intron variant.
Genome position (GRCh38, 1-based): chr17:81,847,239, G>T on the plus strand (C>A on the coding strand, the complement: P4HB is on the minus strand). VCF-style: chr17-81847239-G-T. GRCh37 (hg19) VCF-style: chr17-79805115-G-T.
Identifiers: ClinVar variation 2873569 (VCV002873569.3), dbSNP rs199611676, ClinGen allele CA627781162.